The following is an entry in ClinVar:

ClinVar aggregate classification (germline): Uncertain significance (1 of 4 stars; one submission).

Conditions:
Hereditary cancer-predisposing syndrome. Also called: Tumor predisposition; Neoplastic Syndromes, Hereditary; Hereditary neoplastic syndrome; Hereditary Cancer Syndrome. Identifiers: Orphanet 140162, MedGen C0027672, MeSH D009386, MONDO:0015356.

gnomAD v4.1: 3 of 1,614,166 alleles (0.00019%); highest among the groups gnomAD compares: South Asian, 0.0033%; no homozygotes.

Submission:

Ambry Genetics
Classification: Uncertain significance for Hereditary cancer-predisposing syndrome. Last evaluated: 2025-08-27. Review status: criteria provided, single submitter. Criteria: Ambry Variant Classification Scheme 2023. Collection method: clinical testing. Allele origin: germline.
Comment: The p.Q379H variant (also known as c.1137G>C), located in coding exon 12 of the MUTYH gene, results from a G to C substitution at nucleotide position 1137. The glutamine at codon 379 is replaced by histidine, an amino acid with highly similar properties. This amino acid position is conserved. In addition, the in silico prediction for this alteration is inconclusive. Based on the available evidence, the clinical significance of this variant remains unclear.

NM_001048174.2(MUTYH):c.1053G>C (p.Gln351His)

Gene: MUTYH (mutY DNA glycosylase; minus strand). Cytogenetic location: 1p34.1.
Variant type: single nucleotide variant.
Coding change: c.1053G>C on transcript NM_001048174.2 (MANE Select); coding-DNA position 1053, G replaced by C.
Protein change: p.Gln351His; replaces glutamine 351 with histidine.
Molecular consequence: missense variant. On other transcripts: non-coding transcript variant (7).
Genome position (GRCh38, 1-based): chr1:45,331,710, C>G on the plus strand (G>C on the coding strand, the complement: MUTYH is on the minus strand). VCF-style: chr1-45331710-C-G. GRCh37 (hg19) VCF-style: chr1-45797382-C-G.
Other names: c.1095G>C, p.Gln365His (NM_001407083.1, NM_001407085.1); c.1056G>C, p.Gln352His (NM_001407086.1, NM_001407078.1, NM_001048172.2 and 1 more transcripts); c.1074G>C, p.Gln358His (NM_001407087.1); c.1053G>C, p.Gln351His (NM_001407088.1, NM_001407089.1, NM_001407081.1 and 6 more transcripts); c.777G>C, p.Gln259His (NM_001407091.1, NM_001293192.2, NM_001293196.2); c.1128G>C, p.Gln376His (NM_012222.3); c.1014G>C, p.Gln338His (NM_001407079.1); c.1011G>C, p.Gln337His (NM_001407080.1); and 5 more; short protein forms Q259H, Q337H, Q338H, Q352H, Q358H, Q323H, Q365H, Q366H.
Identifiers: ClinVar variation 4113044 (VCV004113044.1).